The following is an entry in ClinVar:

ClinVar aggregate classification (germline): Uncertain significance (1 of 4 stars; one submission).

Allele frequency attached by ClinVar (database versions not stated): gnomAD exomes below 0.00001; gnomAD 0.00001.
gnomAD v4.1: 7 of 1,607,570 alleles (0.00044%); highest among the groups gnomAD compares: African/African-American, 0.0027%; no homozygotes.

Submission:

Labcorp Genetics (formerly Invitae), Labcorp
Classification: Uncertain significance. Last evaluated: 2021-11-02. Review status: criteria provided, single submitter. Criteria: Invitae Variant Classification Sherloc (09022015). Collection method: clinical testing. Allele origin: germline.
Comment: In summary, the available evidence is currently insufficient to determine the role of this variant in disease. Therefore, it has been classified as a Variant of Uncertain Significance. Algorithms developed to predict the effect of missense changes on protein structure and function are either unavailable or do not agree on the potential impact of this missense change (SIFT: "Deleterious"; PolyPhen-2: "Probably Damaging"; Align-GVGD: "Class C0"). This variant has not been reported in the literature in individuals affected with FKBP10-related conditions. This variant is present in population databases (no rsID available, gnomAD 0.007%). This sequence change replaces alanine, which is neutral and non-polar, with threonine, which is neutral and polar, at codon 348 of the FKBP10 protein (p.Ala348Thr).

NM_021939.4(FKBP10):c.1042G>A (p.Ala348Thr)

Gene: FKBP10 (FKBP prolyl isomerase 10; plus strand). Cytogenetic location: 17q21.2.
Variant type: single nucleotide variant.
Coding change: c.1042G>A on transcript NM_021939.4 (MANE Select); coding-DNA position 1042, G replaced by A.
Protein change: p.Ala348Thr; replaces alanine 348 with threonine.
Molecular consequence: missense variant.
Genome position (GRCh38, 1-based): chr17:41,819,654, G>A. VCF-style: chr17-41819654-G-A. GRCh37 (hg19) VCF-style: chr17-39975906-G-A.
Other names: short protein forms A348T.
Identifiers: ClinVar variation 1390814 (VCV001390814.6), dbSNP rs1555616688, ClinGen allele CA399516919.